The following is an entry in ClinVar:

ClinVar aggregate classification (germline): Likely benign. Review status: reviewed by expert panel (3 of 4 stars). 4 submissions from 4 submitters: Likely benign (1). 3 of the submissions do not count toward it. Last evaluated 2026-04-23.

Conditions:
Developmental and epileptic encephalopathy, 2 (DEE2). Also called: INFANTILE SPASM SYNDROME, X-LINKED 2; CDKL5 deficiency disorder. Identifiers: Orphanet 1934, Orphanet 3451, Orphanet 505652, MedGen C4750718, MONDO:0010396, OMIM 300672.
Angelman syndrome-like. Identifiers: MedGen CN128785.
CDKL5 disorder. Identifiers: MedGen CN296942, MONDO:0100039.

Allele frequency attached by ClinVar (database versions not stated): ExAC 0.00001; gnomAD exomes 0.00002; TOPMed 0.00002; gnomAD 0.00003.

Submissions (4):

ClinGen Rett and Angelman-like Disorders Variant Curation Expert Panel
Classification: Likely benign for CDKL5 disorder. Last evaluated: 2026-04-23. Review status: reviewed by expert panel. Criteria: ClinGen RettAS ACMG Specifications CDKL5 V5.0.0. Collection method: curation. Allele origin: germline. Inheritance: X-linked inheritance.
Comment: The highest population minor allele frequency of the c.282+19A>G variant in CDKL5 in gnomAD v4.1 is 0.0000527 in African / African American population, which is higher than the ClinGen Rett and Angelman-like Disorders VCEP threshold (≥0.0000083) for BS1, and therefore meets this criterion (BS1). Splice prediction analysis using SpliceAI does not suggest an impact to splicing (BP4). In summary, the c.282+19A>G variant in CDKL5 is classified as likely benign based on the ACMG/AMP criteria (BS1, BP4). (CDKL5 Specifications v5.0; curation approved on 4/23/2026)

Labcorp Genetics (formerly Invitae), Labcorp
Classification: Benign for Developmental and epileptic encephalopathy, 2; Angelman syndrome-like. Last evaluated: 2025-08-30. Review status: criteria provided, single submitter. Criteria: Invitae Variant Classification Sherloc (09022015). Collection method: clinical testing. Allele origin: germline. Not counted in ClinVar's aggregate classification.

Institute for Clinical Genetics, University Hospital TU Dresden, University Hospital TU Dresden
Classification: Uncertain significance. Last evaluated: 2021-11-03. Review status: criteria provided, single submitter. Criteria: ACMG Guidelines, 2015. Collection method: clinical testing. Allele origin: germline. Not counted in ClinVar's aggregate classification.

Blueprint Genetics
Classification: Likely benign. Last evaluated: 2019-03-06. Review status: criteria provided, single submitter. Criteria: ACMG Guidelines, 2015. Collection method: clinical testing. Allele origin: germline. Not counted in ClinVar's aggregate classification.

NM_001323289.2(CDKL5):c.282+19A>G

Gene: CDKL5 (cyclin dependent kinase like 5; plus strand). Cytogenetic location: Xp22.13.
Variant type: single nucleotide variant.
Coding change: c.282+19A>G on transcript NM_001323289.2 (MANE Select); 19 bases into the intron after coding-DNA position 282, A replaced by G.
Molecular consequence: intron variant.
Genome position (GRCh38, 1-based): chrX:18,575,509, A>G. VCF-style: chrX-18575509-A-G. GRCh37 (hg19) VCF-style: chrX-18593629-A-G.
Other names: c.282+19A>G (NM_003159.3, NM_001037343.2).
Identifiers: ClinVar variation 1319162 (VCV001319162.9), dbSNP rs781452978, ClinGen allele CA10360231.
Genomic context (GRCh38, chrX:18,575,509, plus strand): 5'-CGGAGGGGAAAGTTGTACTTGGTGTTTGAGTATGTTGAAAAAGTAAGTCATTAATTGCCA[A>G]TGTGCACATTTGCCCGATTCTTTTATTTAAGGCTGTTTCTGACATTATTTAAGAAAGTAC-3'